The following is an entry in ClinVar:

NM_000147.5(FUCA1):c.1048A>G (p.Ile350Val)

Gene: FUCA1 (alpha-L-fucosidase 1; minus strand). Cytogenetic location: 1p36.11.
Variant type: single nucleotide variant.
Coding change: c.1048A>G on transcript NM_000147.5 (MANE Select); coding-DNA position 1048, A replaced by G.
Protein change: p.Ile350Val; replaces isoleucine 350 with valine.
Molecular consequence: missense variant. On other transcripts: non-coding transcript variant (4).
Genome position (GRCh38, 1-based): chr1:23,848,761, T>C on the plus strand (A>G on the coding strand, the complement: FUCA1 is on the minus strand). VCF-style: chr1-23848761-T-C. GRCh37 (hg19) VCF-style: chr1-24175251-T-C.
Other names: short protein forms I350V.
Identifiers: ClinVar variation 1941094 (VCV001941094.2), dbSNP rs1380905344, ClinGen allele CA339036591.

ClinVar aggregate classification (germline): Uncertain significance (1 of 4 stars; one submission).

Conditions:
Fucosidosis. Also called: ALPHA-L-FUCOSIDASE DEFICIENCY. Identifiers: Orphanet 349, MedGen C0016788, MONDO:0009254, OMIM 230000.

Allele frequency attached by ClinVar (database versions not stated): TOPMed 0.00001.
gnomAD v4.1: 9 of 1,614,152 alleles (0.00056%); highest among the groups gnomAD compares: Non-Finnish European, 0.00076%; no homozygotes.

Submission:

Labcorp Genetics (formerly Invitae), Labcorp
Classification: Uncertain significance for Fucosidosis. Last evaluated: 2022-03-16. Review status: criteria provided, single submitter. Criteria: Invitae Variant Classification Sherloc (09022015). Collection method: clinical testing. Allele origin: germline.
Comment: This sequence change replaces isoleucine, which is neutral and non-polar, with valine, which is neutral and non-polar, at codon 350 of the FUCA1 protein (p.Ile350Val). This variant is not present in population databases (gnomAD no frequency). This variant has not been reported in the literature in individuals affected with FUCA1-related conditions. Algorithms developed to predict the effect of missense changes on protein structure and function output the following: SIFT: "Tolerated"; PolyPhen-2: "Benign"; Align-GVGD: "Class C0". The valine amino acid residue is found in multiple mammalian species, which suggests that this missense change does not adversely affect protein function. In summary, the available evidence is currently insufficient to determine the role of this variant in disease. Therefore, it has been classified as a Variant of Uncertain Significance.